The following is an entry in ClinVar:

ClinVar aggregate classification (germline): Benign. Review status: reviewed by expert panel (3 of 4 stars). 12 submissions from 12 submitters: Benign (1). 11 of the submissions do not count toward it. Last evaluated 2021-05-05.

Conditions:
Inborn genetic diseases. Identifiers: MedGen C0950123, MeSH D030342.
Pyruvate dehydrogenase complex deficiency (PDHC). Also called: PYRUVATE DECARBOXYLASE DEFICIENCY; PDH DEFICIENCY; Pyruvate Dehydrogenase Complex Deficiency Disease; Pyruvate dehydrogenase deficiency; Ataxia with lactic acidosis 1. Identifiers: Orphanet 765, Orphanet 79243, MedGen C0034345, MONDO:0019169.
Pyruvate dehydrogenase E1-alpha deficiency (PDHAD). Also called: ATAXIA, INTERMITTENT, WITH PYRUVATE DEHYDROGENASE DEFICIENCY; ATAXIA WITH LACTIC ACIDOSIS I; ATAXIA, INTERMITTENT, WITH ABNORMAL PYRUVATE METABOLISM; Ataxia, intermittent, with pyruvate dehydrogenase, or decarboxylase, deficiency. Identifiers: Orphanet 79243, MedGen C1839413, MONDO:0010717, OMIM 312170.

Allele frequency attached by ClinVar (database versions not stated): gnomAD 0.28594 and 0.27175; ESP Exome Variant Server 0.32462; gnomAD exomes 0.06463 and 0.11558; ExAC 0.13389; 1000 Genomes Project 0.30464; 1000 Genomes Project 30x 0.31446; TOPMed 0.30323.
gnomAD v4.1: 103,223 of 1,207,089 alleles (8.6%); highest among the groups gnomAD compares: African/African-American, 85%; 16,847 homozygotes.

Submissions (12):

ClinGen Mitochondrial Disease Nuclear and Mitochondrial  Variant Curation Expert Panel, ClinGen
Classification: Benign for Pyruvate dehydrogenase complex deficiency. Last evaluated: 2021-05-05. Review status: reviewed by expert panel. Criteria: clingen mito disease acmg specifications v1-1. Collection method: curation. Allele origin: germline. Inheritance: X-linked inheritance.
Comment: The allele frequency of the c.795A>G variant in the PDHA1 gene is 13.1% in gnomAD, including more than 9,000 hemizygotes. This allele frequency, and the frequency with which it is seen in hemizygotes in the general population are high enough to be classified as benign based on thresholds defined by the ClinGen PDHA1 Variant Curation Expert Panel (>0.092%; gnomAD- BA1; >16 hemizygotes- BS2). Furthermore, splicing predictors (SPLICE AI) do not predict a deleterious effect (BP7). In summary, this synonymous variant meets criteria to be classified as benign for PDHA1- related pyruvate dehydrogenase deficiency in an X-linked manner. PDHA1-specific ACMG/AMP criteria applied: (BA1, BS2, BP7). This was reviewed with the PDHA1 expert panel on 4/6/2021 and approved on 4/6/2021.

Labcorp Genetics (formerly Invitae), Labcorp
Classification: Benign for Pyruvate dehydrogenase E1-alpha deficiency. Last evaluated: 2026-02-04. Review status: criteria provided, single submitter. Criteria: Invitae Variant Classification Sherloc (09022015). Collection method: clinical testing. Allele origin: germline. Not counted in ClinVar's aggregate classification.

Women's Health and Genetics/Laboratory Corporation of America, LabCorp
Classification: Benign. Last evaluated: 2025-11-14. Review status: criteria provided, single submitter. Criteria: LabCorp Variant Classification Summary - May 2015. Collection method: clinical testing. Allele origin: germline. Not counted in ClinVar's aggregate classification.

Athena Diagnostics
Classification: Benign. Last evaluated: 2021-05-13. Review status: criteria provided, single submitter. Criteria: Athena Diagnostics criteria. Collection method: clinical testing. Allele origin: unknown. Not counted in ClinVar's aggregate classification.

Illumina Laboratory Services, Illumina
Classification: Benign for Pyruvate dehydrogenase E1-alpha deficiency. Last evaluated: 2017-04-28. Review status: criteria provided, single submitter. Criteria: ICSL Variant Classification Criteria 13 December 2019. Collection method: clinical testing. Allele origin: germline. Not counted in ClinVar's aggregate classification.
Comment: This variant was observed as part of a predisposition screen in an ostensibly healthy population. A literature search was performed for the gene, cDNA change, and amino acid change (where applicable). No publications were found based on this search. Allele frequency data from public databases was too high to be consistent with this variant causing disease. Therefore, this variant is classified as benign.

Ambry Genetics
Classification: Benign for Inborn genetic diseases. Last evaluated: 2015-07-12. Review status: criteria provided, single submitter. Criteria: Ambry Variant Classification Scheme 2023. Collection method: clinical testing. Allele origin: germline. Not counted in ClinVar's aggregate classification.

Eurofins Ntd Llc (ga)
Classification: Benign. Last evaluated: 2012-08-09. Review status: criteria provided, single submitter. Criteria: EGL Classification Definitions 2015. Collection method: clinical testing. Allele origin: germline. Observed: 15 variant alleles, 6 heterozygotes, 3 homozygotes, 6 hemizygotes. Not counted in ClinVar's aggregate classification.

GeneDx
Classification: Benign. Last evaluated: 2011-07-06. Review status: criteria provided, single submitter. Criteria: GeneDx Variant Classification (06012015). Collection method: clinical testing. Allele origin: germline. Affected: yes. Not counted in ClinVar's aggregate classification.
Comment: This variant is considered likely benign or benign based on one or more of the following criteria: it is a conservative change, it occurs at a poorly conserved position in the protein, it is predicted to be benign by multiple in silico algorithms, and/or has population frequency not consistent with disease.

Breakthrough Genomics
Classification: Benign. Review status: criteria provided, single submitter. Criteria: ACMG Guidelines, 2015. Collection method: not provided. Allele origin: germline. Inheritance: X-linked inheritance. Affected: yes. Not counted in ClinVar's aggregate classification.

Natera, Inc.
Classification: Benign for Pyruvate decarboxylase deficiency. Last evaluated: 2020-09-16. Review status: no assertion criteria provided. Collection method: clinical testing. Allele origin: germline. Not counted in ClinVar's aggregate classification.

Mayo Clinic Laboratories, Mayo Clinic
Classification: Benign. Last evaluated: 2016-02-22. Review status: no assertion criteria provided. Collection method: clinical testing. Allele origin: unknown. Not counted in ClinVar's aggregate classification.

Genetic Services Laboratory, University of Chicago
Classification: Likely benign for AllHighlyPenetrant. Review status: no assertion criteria provided. Collection method: clinical testing. Allele origin: germline. Inheritance: X-linked inheritance. Not counted in ClinVar's aggregate classification.
Comment: Likely benign based on allele frequency in 1000 Genomes Project or ESP global frequency and its presence in a patient with a rare or unrelated disease phenotype. NOT Sanger confirmed.

NM_000284.4(PDHA1):c.795A>G (p.Ala265=)

Gene: PDHA1 (pyruvate dehydrogenase E1 subunit alpha 1; plus strand). Cytogenetic location: Xp22.12.
Variant type: single nucleotide variant.
Coding change: c.795A>G on transcript NM_000284.4 (MANE Select); coding-DNA position 795, A replaced by G.
Protein change: p.Ala265=; no amino-acid change (alanine 265 retained).
Molecular consequence: synonymous variant.
Genome position (GRCh38, 1-based): chrX:19,355,721, A>G. VCF-style: chrX-19355721-A-G. GRCh37 (hg19) VCF-style: chrX-19373839-A-G.
Other names: p.A265A:GCA>GCG; NM_000284.4(PDHA1):c.795A>G; p.Ala265=; c.909A>G, p.Ala303= (NM_001173454.2); c.816A>G, p.Ala272= (NM_001173455.2); c.702A>G, p.Ala234= (NM_001173456.2).
Identifiers: ClinVar variation 92772 (VCV000092772.33), dbSNP rs1126565, ClinGen allele CA285340.